The following is an entry in ClinVar:

NM_013266.4(CTNNA3):c.2377G>A (p.Gly793Arg)

Gene: CTNNA3 (catenin alpha 3; minus strand). Cytogenetic location: 10q21.3.
Variant type: single nucleotide variant.
Coding change: c.2377G>A on transcript NM_013266.4 (MANE Select); coding-DNA position 2377, G replaced by A.
Protein change: p.Gly793Arg; replaces glycine 793 with arginine.
Molecular consequence: missense variant.
Genome position (GRCh38, 1-based): chr10:65,966,635, C>T on the plus strand (G>A on the coding strand, the complement: CTNNA3 is on the minus strand). VCF-style: chr10-65966635-C-T. GRCh37 (hg19) VCF-style: chr10-67726393-C-T.
Other names: c.2377G>A, p.Gly793Arg (NM_001127384.3); short protein forms G793R.
Identifiers: ClinVar variation 1035431 (VCV001035431.10), dbSNP rs778606956, ClinGen allele CA5519617.

ClinVar aggregate classification (germline): Uncertain significance. Review status: criteria provided, multiple submitters, no conflicts (2 of 4 stars). 2 submissions from 2 submitters: Uncertain significance (2). Last evaluated 2022-06-13.

Conditions:
Arrhythmogenic right ventricular dysplasia 13. Also called: Arrhythmogenic right ventricular dysplasia, familial, 13; ARRHYTHMOGENIC RIGHT VENTRICULAR CARDIOMYOPATHY 13. Identifiers: MedGen C3810138, MONDO:0000908, OMIM 615616.

Allele frequency attached by ClinVar (database versions not stated): gnomAD exomes below 0.00001 and 0.00001; ExAC 0.00001.
gnomAD v4.1: 5 of 1,613,728 alleles (0.00031%); highest among the groups gnomAD compares: Admixed American, 0.0067%; no homozygotes.

Submissions (2):

Labcorp Genetics (formerly Invitae), Labcorp
Classification: Uncertain significance for Arrhythmogenic right ventricular dysplasia 13. Last evaluated: 2022-06-13. Review status: criteria provided, single submitter. Criteria: Invitae Variant Classification Sherloc (09022015). Collection method: clinical testing. Allele origin: germline.
Comment: This sequence change replaces glycine, which is neutral and non-polar, with arginine, which is basic and polar, at codon 793 of the CTNNA3 protein (p.Gly793Arg). In summary, the available evidence is currently insufficient to determine the role of this variant in disease. Therefore, it has been classified as a Variant of Uncertain Significance. Algorithms developed to predict the effect of missense changes on protein structure and function are either unavailable or do not agree on the potential impact of this missense change (SIFT: "Deleterious"; PolyPhen-2: "Not Available"; Align-GVGD: "Class C0"). ClinVar contains an entry for this variant (Variation ID: 1035431). This variant has not been reported in the literature in individuals affected with CTNNA3-related conditions. This variant is present in population databases (rs778606956, gnomAD 0.01%).

Ambry Genetics
Classification: Uncertain significance. Last evaluated: 2022-01-17. Review status: criteria provided, single submitter. Criteria: Ambry Variant Classification Scheme 2023. Collection method: clinical testing. Allele origin: germline.
Comment: The p.G793R variant (also known as c.2377G>A), located in coding exon 16 of the CTNNA3 gene, results from a G to A substitution at nucleotide position 2377. The glycine at codon 793 is replaced by arginine, an amino acid with dissimilar properties. This amino acid position is conserved. In addition, the in silico prediction for this alteration is inconclusive. Since supporting evidence is limited at this time, the clinical significance of this alteration remains unclear.